The following is an entry in ClinVar:

NM_002439.5(MSH3):c.3084C>A (p.Tyr1028Ter)

Gene: MSH3 (mutS homolog 3; plus strand). Cytogenetic location: 5q14.1.
Variant type: single nucleotide variant.
Coding change: c.3084C>A on transcript NM_002439.5 (MANE Select); coding-DNA position 3084, C replaced by A.
Protein change: p.Tyr1028Ter; replaces tyrosine 1028 with a stop codon.
Molecular consequence: nonsense.
Genome position (GRCh38, 1-based): chr5:80,864,896, C>A. VCF-style: chr5-80864896-C-A. GRCh37 (hg19) VCF-style: chr5-80160715-C-A.
Other names: short protein forms Y1028*.
Identifiers: ClinVar variation 5024744 (VCV005024744.1).

ClinVar aggregate classification (germline): Pathogenic (1 of 4 stars; one submission).

Conditions:
Hereditary cancer-predisposing syndrome. Also called: Neoplastic Syndromes, Hereditary; Tumor predisposition; Hereditary neoplastic syndrome; Hereditary Cancer Syndrome. Identifiers: Orphanet 140162, MedGen C0027672, MeSH D009386, MONDO:0015356.

gnomAD v4.1: 1 of 1,613,628 alleles (0.000062%); highest among the groups gnomAD compares: African/African-American, 0.0013%; no homozygotes.

Submission:

Ambry Genetics
Classification: Pathogenic for Hereditary cancer-predisposing syndrome. Last evaluated: 2026-07-20. Review status: criteria provided, single submitter. Criteria: Ambry Variant Classification Scheme 2023. Collection method: clinical testing. Allele origin: germline.
Comment: The p.Y1028* pathogenic mutation (also known as c.3084C>A), located in coding exon 22 of the MSH3 gene, results from a C to A substitution at nucleotide position 3084. This changes the amino acid from a tyrosine to a stop codon within coding exon 22. This variant is considered to be rare based on population cohorts in the Genome Aggregation Database (gnomAD). This variant is expected to result in loss of function by premature protein truncation or nonsense-mediated mRNA decay. As such, this variant is interpreted as a disease-causing mutation.